The following is an entry in ClinVar:

NM_014679.5(CEP57):c.719C>A (p.Thr240Lys)

Gene: CEP57 (centrosomal protein 57; plus strand). Cytogenetic location: 11q21.
Variant type: single nucleotide variant.
Coding change: c.719C>A on transcript NM_014679.5 (MANE Select); coding-DNA position 719, C replaced by A.
Protein change: p.Thr240Lys; replaces threonine 240 with lysine.
Molecular consequence: missense variant.
Genome position (GRCh38, 1-based): chr11:95,821,890, C>A. VCF-style: chr11-95821890-C-A. GRCh37 (hg19) VCF-style: chr11-95555054-C-A.
Other names: c.692C>A, p.Thr231Lys (NM_001243776.2); c.719C>A, p.Thr240Lys (NM_001243777.2); c.638C>A, p.Thr213Lys (NM_001363604.2); short protein forms T213K, T231K, T240K.
Identifiers: ClinVar variation 4001036 (VCV004001036.1).

ClinVar aggregate classification (germline): Uncertain significance (1 of 4 stars; one submission).

Conditions:
Inborn genetic diseases. Identifiers: MedGen C0950123, MeSH D030342.

Submission:

Ambry Genetics
Classification: Uncertain significance for Inborn genetic diseases. Last evaluated: 2025-05-08. Review status: criteria provided, single submitter. Criteria: Ambry Variant Classification Scheme 2023. Collection method: clinical testing. Allele origin: germline.
Comment: The p.T240K variant (also known as c.719C>A), located in coding exon 7 of the CEP57 gene, results from a C to A substitution at nucleotide position 719. The threonine at codon 240 is replaced by lysine, an amino acid with similar properties. This amino acid position is conserved. In addition, this alteration is predicted to be tolerated by in silico analysis. Based on the available evidence, the clinical significance of this variant remains unclear.